The following is an entry in ClinVar:

NM_000059.4(BRCA2):c.4729G>C (p.Glu1577Gln)

Gene: BRCA2 (BRCA2 DNA repair associated; plus strand). Cytogenetic location: 13q13.1.
Variant type: single nucleotide variant.
Coding change: c.4729G>C on transcript NM_000059.4 (MANE Select); coding-DNA position 4729, G replaced by C.
Protein change: p.Glu1577Gln; replaces glutamic acid 1577 with glutamine.
Molecular consequence: missense variant.
Genome position (GRCh38, 1-based): chr13:32,339,084, G>C. VCF-style: chr13-32339084-G-C. GRCh37 (hg19) VCF-style: chr13-32913221-G-C.
Other names: short protein forms E1577Q.
Identifiers: ClinVar variation 236873 (VCV000236873.10), dbSNP rs878853586, ClinGen allele CA10583109.

ClinVar aggregate classification (germline): Conflicting classifications of pathogenicity. Review status: criteria provided, conflicting classifications (1 of 4 stars). 2 submissions from 2 submitters: Uncertain significance (1); Likely benign (1). Last evaluated 2023-03-23.

Conditions:
Hereditary cancer-predisposing syndrome. Also called: Hereditary neoplastic syndrome; Hereditary Cancer Syndrome; Neoplastic Syndromes, Hereditary; Tumor predisposition. Identifiers: Orphanet 140162, MedGen C0027672, MeSH D009386, MONDO:0015356.
Hereditary breast ovarian cancer syndrome. Also called: BRCA1- and BRCA2-Associated Hereditary Breast and Ovarian Cancer; Hereditary breast and ovarian cancer syndrome; Hereditary breast and ovarian cancer; Hereditary breast and ovarian cancer syndrome (HBOC); Breast and ovarian cancer; Hereditary breast and/or ovarian cancer syndrome. Identifiers: Orphanet 145, MedGen C0677776, MeSH D061325, MONDO:0003582. Disease mechanism: loss of function.

Submissions (2):

University of Washington Department of Laboratory Medicine, University of Washington
Classification: Likely benign for Hereditary cancer-predisposing syndrome. Last evaluated: 2023-03-23. Review status: criteria provided, single submitter. Criteria: Dines et al. (Genet Med. 2020). Collection method: curation. Allele origin: germline.
Comment: Missense variant in a coldspot region where missense variants are very unlikely to be pathogenic (PMID:31911673).

BRCA2 exon 11 coldspot. Reclassification based on statistical prior probability.

Labcorp Genetics (formerly Invitae), Labcorp
Classification: Uncertain significance for Hereditary breast ovarian cancer syndrome. Last evaluated: 2017-12-10. Review status: criteria provided, single submitter. Criteria: Invitae Variant Classification Sherloc (09022015). Collection method: clinical testing. Allele origin: germline.
Comment: In summary, the available evidence is currently insufficient to determine the role of this variant in disease. Therefore, it has been classified as a Variant of Uncertain Significance. This sequence change replaces glutamic acid with glutamine at codon 1577 of the BRCA2 protein (p.Glu1577Gln). The glutamic acid residue is weakly conserved and there is a small physicochemical difference between glutamic acid and glutamine. This variant is not present in population databases (ExAC no frequency). This variant has not been reported in the literature in individuals with BRCA2-related disease. ClinVar contains an entry for this variant (Variation ID: 236873). Algorithms developed to predict the effect of missense changes on protein structure and function do not agree on the potential impact of this missense change (SIFT: "Tolerated"; PolyPhen-2: "Possibly Damaging"; Align-GVGD: "Class C0").